The following is an entry in ClinVar:

NM_182961.4(SYNE1):c.18345G>C (p.Glu6115Asp)

Gene: SYNE1 (spectrin repeat containing nuclear envelope protein 1; minus strand). Cytogenetic location: 6q25.2.
Variant type: single nucleotide variant.
Coding change: c.18345G>C on transcript NM_182961.4 (MANE Select); coding-DNA position 18345, G replaced by C.
Protein change: p.Glu6115Asp; replaces glutamic acid 6115 with aspartic acid.
Molecular consequence: missense variant.
Genome position (GRCh38, 1-based): chr6:152,281,843, C>G on the plus strand (G>C on the coding strand, the complement: SYNE1 is on the minus strand). VCF-style: chr6-152281843-C-G. GRCh37 (hg19) VCF-style: chr6-152602978-C-G.
Other names: c.18132G>C, p.Glu6044Asp (NM_033071.5); short protein forms E6115D, E6044D.
Identifiers: ClinVar variation 872150 (VCV000872150.49), dbSNP rs749005373, ClinGen allele CA4054996.

ClinVar aggregate classification (germline): Conflicting classifications of pathogenicity. Review status: criteria provided, conflicting classifications (1 of 4 stars). 5 submissions from 4 submitters: Uncertain significance (4); Benign (1). Last evaluated 2022-10-04.

Conditions:
Autosomal recessive ataxia, Beauce type. Also called: Spinocerebellar ataxia, autosomal recessive 8; ATAXIA, RECESSIVE, OF BEAUCE; SYNE1-Related Autosomal Recessive Cerebellar Ataxia; SYNE1 Deficiency. Identifiers: Orphanet 88644, MedGen C1853116, MONDO:0012549, OMIM 610743.
Emery-Dreifuss muscular dystrophy 4, autosomal dominant (EDMD4). Also called: EMERY-DREIFUSS MUSCULAR DYSTROPHY 4 WITH VARIABLE FEATURES. Identifiers: Orphanet 261, MedGen C2751807, MONDO:0013071, OMIM 612998.

Allele frequency attached by ClinVar (database versions not stated): TOPMed 0.00002; gnomAD exomes 0.00004 and 0.00008; ExAC 0.00007.
gnomAD v4.1: 24 of 1,614,126 alleles (0.0015%); highest among the groups gnomAD compares: Admixed American, 0.038%; no homozygotes.

Submissions (5):

Labcorp Genetics (formerly Invitae), Labcorp
Classification: Uncertain significance for Emery-Dreifuss muscular dystrophy 4, autosomal dominant; Autosomal recessive ataxia, Beauce type. Last evaluated: 2022-10-04. Review status: criteria provided, single submitter. Criteria: Invitae Variant Classification Sherloc (09022015). Collection method: clinical testing. Allele origin: germline.
Comment: This sequence change replaces glutamic acid, which is acidic and polar, with aspartic acid, which is acidic and polar, at codon 6044 of the SYNE1 protein (p.Glu6044Asp). This variant is present in population databases (rs749005373, gnomAD 0.06%). This variant has not been reported in the literature in individuals affected with SYNE1-related conditions. ClinVar contains an entry for this variant (Variation ID: 872150). Algorithms developed to predict the effect of missense changes on protein structure and function are either unavailable or do not agree on the potential impact of this missense change (SIFT: "Deleterious"; PolyPhen-2: "Benign"; Align-GVGD: "Class C35"). In summary, the available evidence is currently insufficient to determine the role of this variant in disease. Therefore, it has been classified as a Variant of Uncertain Significance.

Athena Diagnostics
Classification: Uncertain significance. Last evaluated: 2020-03-03. Review status: criteria provided, single submitter. Criteria: Athena Diagnostics Criteria. Collection method: clinical testing. Allele origin: unknown.

CeGaT Center for Human Genetics Tuebingen
Classification: Uncertain significance. Last evaluated: 2019-08-01. Review status: criteria provided, single submitter. Criteria: CeGaT Center For Human Genetics Tuebingen Variant Classification Criteria Version 2. Collection method: clinical testing. Allele origin: germline. Affected: yes. Observed: 1 variant allele.

Illumina Laboratory Services, Illumina
Classification: Uncertain significance for Autosomal recessive ataxia, Beauce type. Last evaluated: 2018-01-13. Review status: criteria provided, single submitter. Criteria: ICSL Variant Classification Criteria 13 December 2019. Collection method: clinical testing. Allele origin: germline.

Illumina Laboratory Services, Illumina
Classification: Benign for Emery-Dreifuss muscular dystrophy 4, autosomal dominant. Last evaluated: 2018-01-13. Review status: criteria provided, single submitter. Criteria: ICSL Variant Classification Criteria 13 December 2019. Collection method: clinical testing. Allele origin: germline.
Comment: This variant was observed in the ICSL laboratory as part of a predisposition screen in an ostensibly healthy population. It had not been previously curated by ICSL or reported in the Human Gene Mutation Database (HGMD: prior to June 1st, 2018), and was therefore a candidate for classification through an automated scoring system. Utilizing variant allele frequency, disease prevalence and penetrance estimates, and inheritance mode, an automated score was calculated to assess if this variant is too frequent to cause the disease. Based on the score and internal cut-off values, a variant classified as benign is not then subjected to further curation. The score for this variant resulted in a classification of benign for this disease.